The following is an entry in ClinVar:

ClinVar aggregate classification (germline): Uncertain significance. Review status: criteria provided, multiple submitters, no conflicts (2 of 4 stars). 4 submissions from 4 submitters: Uncertain significance (4). Last evaluated 2025-08-09.

Conditions:
Inborn genetic diseases. Identifiers: MedGen C0950123, MeSH D030342.
Cone-rod dystrophy 6 (CORD6). Also called: Cone dystrophy progressive; RETINAL CONE DYSTROPHY 2. Identifiers: Orphanet 1872, MedGen C1866293, MONDO:0011143, OMIM 601777.
Leber congenital amaurosis 1 (LCA1). Also called: AMAUROSIS CONGENITA OF LEBER I; RETINAL BLINDNESS, CONGENITAL; Congenital absence of the rods and cones; Leber's congenital tapetoretinal degeneration; Leber's congenital tapetoretinal dysplasia. Identifiers: Orphanet 65, MedGen C2931258, MONDO:0008764, OMIM 204000.

Allele frequency attached by ClinVar (database versions not stated): gnomAD 0.00002; TOPMed 0.00005; ExAC 0.00007; ESP Exome Variant Server 0.00008; gnomAD exomes 0.00004 and 0.00008.
gnomAD v4.1: 64 of 1,590,318 alleles (0.004%); highest among the groups gnomAD compares: Admixed American, 0.035%; no homozygotes.

Submissions (4):

Labcorp Genetics (formerly Invitae), Labcorp
Classification: Uncertain significance for Leber congenital amaurosis 1; Cone-rod dystrophy 6. Last evaluated: 2025-08-09. Review status: criteria provided, single submitter. Criteria: Invitae Variant Classification Sherloc (09022015). Collection method: clinical testing. Allele origin: germline.
Comment: This sequence change replaces glutamine, which is neutral and polar, with lysine, which is basic and polar, at codon 341 of the GUCY2D protein (p.Gln341Lys). This variant is present in population databases (rs368799458, gnomAD 0.06%). This variant has not been reported in the literature in individuals affected with GUCY2D-related conditions. ClinVar contains an entry for this variant (Variation ID: 1001867). Invitae Evidence Modeling of protein sequence and biophysical properties (such as structural, functional, and spatial information, amino acid conservation, physicochemical variation, residue mobility, and thermodynamic stability) indicates that this missense variant is not expected to disrupt GUCY2D protein function with a negative predictive value of 80%. In summary, the available evidence is currently insufficient to determine the role of this variant in disease. Therefore, it has been classified as a Variant of Uncertain Significance.

Blueprint Genetics
Classification: Uncertain significance. Last evaluated: 2024-09-09. Review status: criteria provided, single submitter. Criteria: ACMG Guidelines, 2015. Collection method: clinical testing. Allele origin: germline.

Ambry Genetics
Classification: Uncertain significance for Inborn genetic diseases. Last evaluated: 2023-09-23. Review status: criteria provided, single submitter. Criteria: Ambry Variant Classification Scheme 2023. Collection method: clinical testing. Allele origin: germline.

GeneDx
Classification: Uncertain significance. Last evaluated: 2019-11-04. Review status: criteria provided, single submitter. Criteria: GeneDx Variant Classification Process June 2021. Collection method: clinical testing. Allele origin: germline. Affected: yes.
Comment: In silico analysis, which includes protein predictors and evolutionary conservation, supports that this variant does not alter protein structure/function; Has not been previously published as pathogenic or benign to our knowledge

NM_000180.4(GUCY2D):c.1021C>A (p.Gln341Lys)

Gene: GUCY2D (guanylate cyclase 2D, retinal; plus strand). Cytogenetic location: 17p13.1.
Variant type: single nucleotide variant.
Coding change: c.1021C>A on transcript NM_000180.4 (MANE Select); coding-DNA position 1021, C replaced by A.
Protein change: p.Gln341Lys; replaces glutamine 341 with lysine.
Molecular consequence: missense variant.
Genome position (GRCh38, 1-based): chr17:8,004,151, C>A. VCF-style: chr17-8004151-C-A. GRCh37 (hg19) VCF-style: chr17-7907469-C-A.
Other names: short protein forms Q341K.
Identifiers: ClinVar variation 1001867 (VCV001001867.9), dbSNP rs368799458, ClinGen allele CA8365613.
Genomic context (GRCh38, chr17:8,004,151, plus strand): 5'-GTGCTGGACAGCCTGCGCAGGGCTCAAGAGCGCCGCGAGCTGCCCTCTGACCTCAATCTG[C>A]AGCAGGTAGACGGTCCCGGGAGGAGGGAAGAAGGCAAGGGAGAGGGGAGAGGACAGCCAA-3'
Protein context (NP_000171.1, residues 331-351): RRELPSDLNL[Gln341Lys]QVSPLFGTIY